The following is an entry in ClinVar:

ClinVar aggregate classification (germline): Likely benign. Review status: criteria provided, multiple submitters, no conflicts (2 of 4 stars). 3 submissions from 3 submitters: Likely benign (2). 1 of the submissions does not count toward it. Last evaluated 2025-06-11.

Conditions:
Acrocallosal syndrome (ACLS). Also called: HALLUX DUPLICATION, POSTAXIAL POLYDACTYLY, AND ABSENCE OF CORPUS CALLOSUM; Schinzel syndrome 1; Absence of corpus callosum with unusual facial appearance, mental deficiency, duplication of the halluces and polydactyly. Identifiers: Orphanet 36, MedGen C0796147, MONDO:0008708, OMIM 200990.
KIF7-related disorder. Also called: KIF7-related condition.

Allele frequency attached by ClinVar (database versions not stated): gnomAD exomes 0.00004.
gnomAD v4.1: 59 of 1,548,534 alleles (0.0038%); highest among the groups gnomAD compares: Non-Finnish European, 0.0044%; no homozygotes.

Submissions (3):

Labcorp Genetics (formerly Invitae), Labcorp
Classification: Likely benign for Acrocallosal syndrome. Last evaluated: 2025-06-11. Review status: criteria provided, single submitter. Criteria: Invitae Variant Classification Sherloc (09022015). Collection method: clinical testing. Allele origin: germline.

Blueprint Genetics
Classification: Likely benign. Last evaluated: 2021-09-06. Review status: criteria provided, single submitter. Criteria: ACMG Guidelines, 2015. Collection method: clinical testing. Allele origin: germline.

PreventionGenetics, part of Exact Sciences
Classification: Likely benign for KIF7-related condition. Last evaluated: 2019-07-15. Review status: no assertion criteria provided. Collection method: clinical testing. Allele origin: germline. Not counted in ClinVar's aggregate classification.
Comment: This variant is classified as likely benign based on ACMG/AMP sequence variant interpretation guidelines (Richards et al. 2015 PMID: 25741868, with internal and published modifications).

NM_198525.3(KIF7):c.2896-7C>T

Gene: KIF7 (kinesin family member 7; minus strand). Cytogenetic location: 15q26.1.
Variant type: single nucleotide variant.
Coding change: c.2896-7C>T on transcript NM_198525.3 (MANE Select); 7 bases into the intron before coding-DNA position 2896, C replaced by T.
Molecular consequence: intron variant.
Genome position (GRCh38, 1-based): chr15:89,631,717, G>A on the plus strand (C>T on the coding strand, the complement: KIF7 is on the minus strand). VCF-style: chr15-89631717-G-A. GRCh37 (hg19) VCF-style: chr15-90174948-G-A.
Other names: c.2896-7C>T (NM_198525.2).
Identifiers: ClinVar variation 2053745 (VCV002053745.7), dbSNP rs769851915, ClinGen allele CA7727889.